The following is an entry in ClinVar:

ClinVar aggregate classification (germline): Likely benign (1 of 4 stars; one submission).

Conditions:
SEMA3A-related disorder. Also called: SEMA3A-related condition.

gnomAD v4.1: 7 of 1,613,542 alleles (0.00043%); highest among the groups gnomAD compares: South Asian, 0.0011%; no homozygotes.

Submission:

PreventionGenetics, part of Exact Sciences
Classification: Likely benign for SEMA3A-related condition. Last evaluated: 2026-09-14. Review status: criteria provided, single submitter. Criteria: ACMG Guidelines, 2015. Collection method: clinical testing. Allele origin: germline.
Comment: This variant is classified as likely benign based on ACMG/AMP sequence variant interpretation guidelines (Richards et al. 2015 PMID: 25741868, with internal and published modifications).

NM_006080.3(SEMA3A):c.1305C>T (p.Val435=)

Gene: SEMA3A (semaphorin 3A; minus strand). Cytogenetic location: 7q21.11.
Variant type: single nucleotide variant.
Coding change: c.1305C>T on transcript NM_006080.3 (MANE Select); coding-DNA position 1305, C replaced by T.
Protein change: p.Val435=; no amino-acid change (valine 435 retained).
Molecular consequence: synonymous variant.
Genome position (GRCh38, 1-based): chr7:84,005,394, G>A on the plus strand (C>T on the coding strand, the complement: SEMA3A is on the minus strand). VCF-style: chr7-84005394-G-A. GRCh37 (hg19) VCF-style: chr7-83634710-G-A.
Identifiers: ClinVar variation 4989514 (VCV004989514.1).